The following is an entry in ClinVar:

ClinVar aggregate classification (germline): Uncertain significance (1 of 4 stars; one submission).

gnomAD v4.1: 1 of 1,613,996 alleles (0.000062%); highest among the groups gnomAD compares: Middle Eastern, 0.016%; no homozygotes.

Submission:

GeneDx
Classification: Uncertain significance. Last evaluated: 2024-06-11. Review status: criteria provided, single submitter. Criteria: GeneDx Variant Classification Process June 2021. Collection method: clinical testing. Allele origin: germline. Affected: yes.
Comment: Not observed at significant frequency in large population cohorts (gnomAD); In silico analysis indicates that this missense variant does not alter protein structure/function; Has not been previously published as pathogenic or benign to our knowledge

NM_001080517.3(SETD5):c.2014A>G (p.Arg672Gly)

Gene: SETD5 (SET domain containing 5; plus strand). Cytogenetic location: 3p25.3.
Variant type: single nucleotide variant.
Coding change: c.2014A>G on transcript NM_001080517.3 (MANE Select); coding-DNA position 2014, A replaced by G.
Protein change: p.Arg672Gly; replaces arginine 672 with glycine.
Molecular consequence: missense variant.
Genome position (GRCh38, 1-based): chr3:9,447,917, A>G. VCF-style: chr3-9447917-A-G. GRCh37 (hg19) VCF-style: chr3-9489601-A-G.
Other names: c.1720A>G, p.Arg574Gly (NM_001292043.2, NM_001349451.2); short protein forms R574G, R672G.
Identifiers: ClinVar variation 3390752 (VCV003390752.1).